The following is an entry in ClinVar:

NM_000489.6(ATRX):c.5831G>T (p.Ser1944Ile)

Gene: ATRX (ATRX chromatin remodeler; minus strand). Cytogenetic location: Xq21.1.
Variant type: single nucleotide variant.
Coding change: c.5831G>T on transcript NM_000489.6 (MANE Select); coding-DNA position 5831, G replaced by T.
Protein change: p.Ser1944Ile; replaces serine 1944 with isoleucine.
Molecular consequence: missense variant.
Genome position (GRCh38, 1-based): chrX:77,599,536, C>A on the plus strand (G>T on the coding strand, the complement: ATRX is on the minus strand). VCF-style: chrX-77599536-C-A. GRCh37 (hg19) VCF-style: chrX-76855005-C-A.
Other names: c.5717G>T, p.Ser1906Ile (NM_138270.5); short protein forms S1906I, S1944I.
Identifiers: ClinVar variation 3361714 (VCV003361714.1).

ClinVar aggregate classification (germline): Uncertain significance (1 of 4 stars; one submission).

Submission:

GeneDx
Classification: Uncertain significance. Last evaluated: 2024-02-13. Review status: criteria provided, single submitter. Criteria: GeneDx Variant Classification Process June 2021. Collection method: clinical testing. Allele origin: germline. Affected: yes.
Comment: In silico analysis supports that this missense variant has a deleterious effect on protein structure/function; Not observed at significant frequency in large population cohorts (gnomAD); Has not been previously published as pathogenic or benign to our knowledge